The following is an entry in ClinVar:

NM_194454.3(KRIT1):c.857G>A (p.Trp286Ter)

Gene: KRIT1 (KRIT1 ankyrin repeat containing; minus strand). Cytogenetic location: 7q21.2.
Variant type: single nucleotide variant.
Coding change: c.857G>A on transcript NM_194454.3 (MANE Select); coding-DNA position 857, G replaced by A.
Protein change: p.Trp286Ter; replaces tryptophan 286 with a stop codon.
Molecular consequence: nonsense. On other transcripts: intron variant (3).
Genome position (GRCh38, 1-based): chr7:92,234,581, C>T on the plus strand (G>A on the coding strand, the complement: KRIT1 is on the minus strand). VCF-style: chr7-92234581-C-T. GRCh37 (hg19) VCF-style: chr7-91863895-C-T.
Other names: c.143G>A, p.Trp48Ter (NM_001350671.1); c.857G>A, p.Trp286Ter (NM_001350672.1, NM_001350673.1, NM_001350674.1 and 26 more transcripts); c.845+227G>A (NM_001350669.1, NM_001013406.2, NM_001350670.1); short protein forms W286*, W48*.
Identifiers: ClinVar variation 1805590 (VCV001805590.1), dbSNP rs2536005737, ClinGen allele CA368158071.

ClinVar aggregate classification (germline): Pathogenic (1 of 4 stars; one submission).

Conditions:
Cerebral cavernous malformation 1. Also called: Familial Cerebral Cavernous Malformation 1; Cerebral cavernous malformations 1. Identifiers: MedGen C1366911, MONDO:0020724.

Allele frequency attached by ClinVar (database versions not stated): gnomAD exomes below 0.00001.

Submission:

Victorian Clinical Genetics Services, Murdoch Childrens Research Institute
Classification: Pathogenic for Cerebral cavernous malformation 1. Last evaluated: 2020-06-11. Review status: criteria provided, single submitter. Criteria: ACMG Guidelines, 2015. Collection method: clinical testing. Allele origin: germline. Inheritance: Autosomal dominant inheritance. Affected: no.
Comment: Based on the classification scheme VCGS_Germline_v1.1.1, this variant is classified as 5-Pathogenic. Following criteria are met: 0102 - Loss-of-function is a known mechanism of disease for this gene. (N) 0107 - This gene is known to be associated with autosomal dominant disease. (N) 0112 - Variants in this gene are known to have reduced penetrance (PMID: 16571644; OMIM). (N) 0201 - Variant is predicted to cause nonsense-mediated decay (NMD) and loss of protein. This variant is in exon 11 of 20 of the KRIT1 gene. (P) 0251 - Variant is heterozygous. (N) 0301 - Variant is absent from gnomAD. (P) 0701 - Comparable variants have very strong previous evidence for pathogenicity. Multiple NMD-predicted variants are present throughout the gene (Decipher). (P) 0803 - Low previous evidence of pathogenicity in unrelated individuals. NM_194456.1(KRIT1): c.858G>A; p.(Trp286*) has been reported in one individual diagnosed with cerebral cavernous malformations (PMID: 12404106). (P) 0905 - No segregation evidence has been identified for this variant in the literature. (N) 1007 - No published functional evidence has been identified for this variant in the literature. (N) 1208 - Inheritance information for this variant is not currently available. (N) Legend: (P) - Pathogenic, (N) - Neutral, (B) - Benign

Literature cited by the submitters: PubMed 12404106; PubMed 16571644.